The following is an entry in ClinVar:

NM_152564.5(VPS13B):c.9331-4_9331-2dup

Gene: VPS13B (vacuolar protein sorting 13 homolog B; plus strand). Cytogenetic location: 8q22.2.
Variant type: Duplication.
Coding change: c.9331-4_9331-2dup on transcript NM_152564.5 (MANE Select); 4 bases into the intron before coding-DNA position 9331 through the canonical splice acceptor site of the intron before coding-DNA position 9331, 3 bases duplicated (TTA; older notation c.9331-4_9331-2dupTTA).
Molecular consequence: splice acceptor variant.
Genome position (GRCh38, 1-based): chr8:99,832,365-99,832,367, TTA duplicated. VCF-style (leftmost placement, unchanged base first): chr8-99832364-T-TTTA. GRCh37 (hg19) VCF-style: chr8-100844592-T-TTTA.
Other names: c.9406-4_9406-2dup (NM_017890.5).
Identifiers: ClinVar variation 3353410 (VCV003353410.1).

ClinVar aggregate classification (germline): Likely benign (0 of 4 stars; one submission).

Conditions:
VPS13B-related disorder. Also called: VPS13B-related condition.

Submission:

PreventionGenetics, part of Exact Sciences
Classification: Likely benign for VPS13B-related condition. Last evaluated: 2022-12-08. Review status: no assertion criteria provided. Collection method: clinical testing. Allele origin: germline.
Comment: This variant is classified as likely benign based on ACMG/AMP sequence variant interpretation guidelines (Richards et al. 2015 PMID: 25741868, with internal and published modifications).